The following is an entry in ClinVar:

ClinVar aggregate classification (germline): Uncertain significance (1 of 4 stars; one submission).

Submission:

GeneDx
Classification: Uncertain significance. Last evaluated: 2024-06-06. Review status: criteria provided, single submitter. Criteria: GeneDx Variant Classification Process June 2021. Collection method: clinical testing. Allele origin: germline. Affected: yes.
Comment: Not observed at significant frequency in large population cohorts (gnomAD); In silico analysis indicates that this missense variant does not alter protein structure/function; Has not been previously published as pathogenic or benign to our knowledge

NM_205768.3(ZBTB18):c.1118G>A (p.Ser373Asn)

Gene: ZBTB18 (zinc finger and BTB domain containing 18; plus strand). Cytogenetic location: 1q44.
Variant type: single nucleotide variant.
Coding change: c.1118G>A on transcript NM_205768.3 (MANE Select); coding-DNA position 1118, G replaced by A.
Protein change: p.Ser373Asn; replaces serine 373 with asparagine.
Molecular consequence: missense variant. On other transcripts: 3 prime UTR variant (1).
Genome position (GRCh38, 1-based): chr1:244,054,892, G>A. VCF-style: chr1-244054892-G-A. GRCh37 (hg19) VCF-style: chr1-244218194-G-A.
Other names: c.1091G>A, p.Ser364Asn (NM_001278196.2, NM_006352.5); c.*295G>A (NM_001421566.1); short protein forms S364N, S373N.
Identifiers: ClinVar variation 3384280 (VCV003384280.1).